The following is an entry in ClinVar:

ClinVar aggregate classification (germline): Uncertain significance (1 of 4 stars; one submission).

gnomAD v4.1: 4 of 1,589,184 alleles (0.00025%); highest among the groups gnomAD compares: Non-Finnish European, 0.00034%; no homozygotes.

Submission:

GeneDx
Classification: Uncertain significance. Last evaluated: 2023-05-31. Review status: criteria provided, single submitter. Criteria: GeneDx Variant Classification Process June 2021. Collection method: clinical testing. Allele origin: germline. Affected: yes.
Comment: Not observed at significant frequency in large population cohorts (gnomAD); In silico analysis supports that this missense variant does not alter protein structure/function; Has not been previously published as pathogenic or benign to our knowledge

NM_020821.3(VPS13C):c.9913G>A (p.Asp3305Asn)

Gene: VPS13C (vacuolar protein sorting 13 homolog C; minus strand). Cytogenetic location: 15q22.2.
Variant type: single nucleotide variant.
Coding change: c.9913G>A on transcript NM_020821.3 (MANE Select); coding-DNA position 9913, G replaced by A.
Protein change: p.Asp3305Asn; replaces aspartic acid 3305 with asparagine.
Molecular consequence: missense variant.
Genome position (GRCh38, 1-based): chr15:61,880,698, C>T on the plus strand (G>A on the coding strand, the complement: VPS13C is on the minus strand). VCF-style: chr15-61880698-C-T. GRCh37 (hg19) VCF-style: chr15-62172897-C-T.
Other names: c.9913G>A, p.Asp3305Asn (NM_001018088.3); c.9784G>A, p.Asp3262Asn (NM_017684.5, NM_018080.4); short protein forms D3262N, D3305N.
Identifiers: ClinVar variation 3361959 (VCV003361959.1).